The following is an entry in ClinVar:

ClinVar aggregate classification (germline): Uncertain significance. Review status: criteria provided, multiple submitters, no conflicts (2 of 4 stars). 4 submissions from 4 submitters: Uncertain significance (4). Last evaluated 2025-03-19.

Conditions:
Hereditary cancer-predisposing syndrome. Also called: Neoplastic Syndromes, Hereditary; Hereditary neoplastic syndrome; Tumor predisposition; Hereditary Cancer Syndrome. Identifiers: Orphanet 140162, MedGen C0027672, MeSH D009386, MONDO:0015356.
Fumarase deficiency (FMRD). Also called: Fumaric aciduria; Fumarate Hydratase Deficiency. Identifiers: Orphanet 24, MedGen C0342770, MONDO:0011730, OMIM 606812.

Allele frequency attached by ClinVar (database versions not stated): gnomAD exomes below 0.00001; ExAC 0.00001.

Submissions (4):

Ambry Genetics
Classification: Uncertain significance for Hereditary cancer-predisposing syndrome. Last evaluated: 2025-03-19. Review status: criteria provided, single submitter. Criteria: Ambry Variant Classification Scheme 2023. Collection method: clinical testing. Allele origin: germline.
Comment: The p.V293I variant (also known as c.877G>A), located in coding exon 6 of the FH gene, results from a G to A substitution at nucleotide position 877. The valine at codon 293 is replaced by isoleucine, an amino acid with highly similar properties. This amino acid position is conserved. In addition, the in silico prediction for this alteration is inconclusive. Based on the available evidence, the clinical significance of this variant remains unclear.

GeneDx
Classification: Uncertain significance. Last evaluated: 2023-12-27. Review status: criteria provided, single submitter. Criteria: GeneDx Variant Classification Process June 2021. Collection method: clinical testing. Allele origin: germline. Affected: yes.
Comment: Not observed at significant frequency in large population cohorts (gnomAD); In silico analysis supports that this missense variant does not alter protein structure/function; Has not been previously published as pathogenic or benign to our knowledge

Labcorp Genetics (formerly Invitae), Labcorp
Classification: Uncertain significance. Last evaluated: 2023-12-08. Review status: criteria provided, single submitter. Criteria: Invitae Variant Classification Sherloc (09022015). Collection method: clinical testing. Allele origin: germline.
Comment: This sequence change replaces valine, which is neutral and non-polar, with isoleucine, which is neutral and non-polar, at codon 293 of the FH protein (p.Val293Ile). This variant is present in population databases (rs749029092, gnomAD 0.003%). This variant has not been reported in the literature in individuals affected with FH-related conditions. ClinVar contains an entry for this variant (Variation ID: 660901). Advanced modeling of protein sequence and biophysical properties (such as structural, functional, and spatial information, amino acid conservation, physicochemical variation, residue mobility, and thermodynamic stability) performed at Invitae indicates that this missense variant is not expected to disrupt FH protein function with a negative predictive value of 95%. In summary, the available evidence is currently insufficient to determine the role of this variant in disease. Therefore, it has been classified as a Variant of Uncertain Significance.

Baylor Genetics
Classification: Uncertain significance for Fumarase deficiency. Last evaluated: 2023-08-28. Review status: criteria provided, single submitter. Criteria: ACMG Guidelines, 2015. Collection method: clinical testing. Allele origin: unknown.

NM_000143.4(FH):c.877G>A (p.Val293Ile)

Gene: FH (fumarate hydratase; minus strand). Cytogenetic location: 1q43.
Variant type: single nucleotide variant.
Coding change: c.877G>A on transcript NM_000143.4 (MANE Select); coding-DNA position 877, G replaced by A.
Protein change: p.Val293Ile; replaces valine 293 with isoleucine.
Molecular consequence: missense variant.
Genome position (GRCh38, 1-based): chr1:241,506,030, C>T on the plus strand (G>A on the coding strand, the complement: FH is on the minus strand). VCF-style: chr1-241506030-C-T. GRCh37 (hg19) VCF-style: chr1-241669330-C-T.
Other names: short protein forms V293I.
Identifiers: ClinVar variation 660901 (VCV000660901.12), dbSNP rs749029092, ClinGen allele CA1478597.